The following is an entry in ClinVar:

NM_000533.5(PLP1):c.2T>G (p.Met1Arg)

Genes: PLP1 (proteolipid protein 1; plus strand), RAB9B (RAB9B, member RAS oncogene family; minus strand). Cytogenetic location: Xq22.2.
Variant type: single nucleotide variant.
Coding change: c.2T>G on transcript NM_000533.5 (MANE Select); coding-DNA position 2, T replaced by G.
Protein change: p.Met1Arg; changes the start codon (methionine 1).
Molecular consequence: missense variant, initiator codon variant.
Genome position (GRCh38, 1-based): chrX:103,776,997, T>G. VCF-style: chrX-103776997-T-G. GRCh37 (hg19) VCF-style: chrX-103031925-T-G.
Other names: c.2T>G, p.Met1Arg (NM_001128834.3, NM_001305004.1, NM_199478.3); short protein forms M1R.
Identifiers: ClinVar variation 521932 (VCV000521932.9), dbSNP rs864622194, ClinGen allele CA414101585.

ClinVar aggregate classification (germline): Pathogenic. Review status: criteria provided, multiple submitters, no conflicts (2 of 4 stars). 4 submissions from 4 submitters: Pathogenic (4). Last evaluated 2023-11-01.

Conditions:
Inborn genetic diseases. Identifiers: MedGen C0950123, MeSH D030342.
Pelizaeus-Merzbacher disease. Also called: Sudanophilic leukodystrophy; Pelizaeus-Merzbacher spectrum disorder; Pelizaeus-Merzbacher Disease (PMD); LEUKODYSTROPHY, HYPOMYELINATING, 1; Pelizeaus-Merzbacher spectrum disorder. Identifiers: Orphanet 702, MedGen C0205711, MONDO:0010714, OMIM 312080, HP:0003269.
Hereditary spastic paraplegia 2 (SPG2). Also called: Spastic Paraplegia 2 (SPG2); SPASTIC PARAPLEGIA 2, X-LINKED. Identifiers: Orphanet 99015, MedGen C0751604, MONDO:0010733, OMIM 312920.

Submissions (4):

Women's Health and Genetics/Laboratory Corporation of America, LabCorp
Classification: Pathogenic for Hereditary spastic paraplegia 2. Last evaluated: 2023-11-01. Review status: criteria provided, single submitter. Criteria: LabCorp Variant Classification Summary - May 2015. Collection method: clinical testing. Allele origin: germline.
Comment: Variant summary: PLP1 c.2T>G (p.Met1Arg) alters the initiation codon and is predicted to result either in absence of the protein or truncation of the encoded protein due to translation initiation at a downstream codon. An alternative downstream in-frame start codon (Met206) is located in the encoded protein. An activation of potential downstream translation at this initiation site would result in a shortened protein missing the first 205 amino acids from the protein sequence. Three of four in-silico tools predict a damaging effect of the variant on protein function. The variant was absent in 180287 control chromosomes (gnomAD). c.2T>G has been reported in the literature in the hemizygous state multiple male individuals affected with Hereditary spastic paraplegia 2 and has been found to segregate with the disease phenotype in an X-linked manner within families (e.g. Hand_2012, Hebbar_2019). These data indicate that the variant is very likely to be associated with disease. To our knowledge, no experimental evidence demonstrating an impact on protein function has been reported. The following publications have been ascertained in the context of this evaluation (PMID: 22343157, 30337681). One submitter has cited a clinical-significance assessment for this variant to ClinVar after 2014 and has classified the variant as pathogenic. Based on the evidence outlined above, the variant was classified as pathogenic.

Molecular Diagnostics Lab, Nemours Children's Health, Delaware
Classification: Pathogenic for Pelizaeus-Merzbacher disease. Last evaluated: 2021-11-11. Review status: criteria provided, single submitter. Criteria: ACMG Guidelines, 2015. Collection method: clinical testing. Allele origin: unknown. Inheritance: X-linked inheritance. Affected: yes. Observed: 1 hemizygote.
Comment: This missense variant (c.2T>G, p.Met1Arg) has not been observed in population databases (gnomAD). It has been described in the literature (PMID 22343157), and other changes that alter the initiation codon have also been reported (PMID 10417279, 8786077, 12910435). Variant prediction programs suggest a deleterious effect on the PLP1 protein, but no functional studies have been published.

Ambry Genetics
Classification: Pathogenic for Inborn genetic diseases. Last evaluated: 2017-07-27. Review status: criteria provided, single submitter. Criteria: Ambry exome assertion method (8-5-2015). Collection method: clinical testing. Allele origin: germline. Affected: yes. Observed: 1 variant allele.

Kasturba Medical College, Manipal, Kasturba Medical College, Manipal, Manipal Academy of Higher Education, Manipal, India
Classification: Pathogenic for Hereditary spastic paraplegia 2. Review status: criteria provided, single submitter. Criteria: ACMG Guidelines, 2015. Collection method: research. Allele origin: inherited. Affected: yes.

Literature cited by the submitters: PubMed 22343157 (cited by 3 submitters); PubMed 30337681 (cited by Women's Health and Genetics/Laboratory Corporation of America, LabCorp); PubMed 1047279 (cited by Molecular Diagnostics Lab, Nemours Children's Health, Delaware); PubMed 8786077 (cited by Molecular Diagnostics Lab, Nemours Children's Health, Delaware and Ambry Genetics); PubMed 12910435 (cited by Molecular Diagnostics Lab, Nemours Children's Health, Delaware and Ambry Genetics); PubMed 10417279 (cited by Ambry Genetics).